The following is an entry in ClinVar:

ClinVar aggregate classification (germline): Conflicting classifications of pathogenicity. Review status: criteria provided, conflicting classifications (1 of 4 stars). 4 submissions from 4 submitters: Uncertain significance (3); Likely benign (1). Last evaluated 2025-11-05.

Conditions:
Hereditary cancer-predisposing syndrome. Also called: Tumor predisposition; Hereditary neoplastic syndrome; Hereditary Cancer Syndrome; Neoplastic Syndromes, Hereditary. Identifiers: Orphanet 140162, MedGen C0027672, MeSH D009386, MONDO:0015356.

Allele frequency attached by ClinVar (database versions not stated): gnomAD exomes below 0.00001 and 0.00001; ExAC 0.00002; gnomAD 0.00002; TOPMed 0.00002.
gnomAD v4.1: 7 of 1,613,568 alleles (0.00043%); highest among the groups gnomAD compares: African/African-American, 0.008%; no homozygotes.

Submissions (4):

Labcorp Genetics (formerly Invitae), Labcorp
Classification: Uncertain significance. Last evaluated: 2025-11-05. Review status: criteria provided, single submitter. Criteria: Invitae Variant Classification Sherloc (09022015). Collection method: clinical testing. Allele origin: germline.
Comment: This sequence change replaces asparagine, which is neutral and polar, with lysine, which is basic and polar, at codon 385 of the MSH3 protein (p.Asn385Lys). This variant is present in population databases (rs759555645, gnomAD 0.01%). This variant has not been reported in the literature in individuals affected with MSH3-related conditions. ClinVar contains an entry for this variant (Variation ID: 935197). An algorithm developed to predict the effect of missense changes on protein structure and function (PolyPhen-2) suggests that this variant is likely to be tolerated. In summary, the available evidence is currently insufficient to determine the role of this variant in disease. Therefore, it has been classified as a Variant of Uncertain Significance.

Ambry Genetics
Classification: Likely benign for Hereditary cancer-predisposing syndrome. Last evaluated: 2025-04-14. Review status: criteria provided, single submitter. Criteria: Ambry Variant Classification Scheme 2023. Collection method: clinical testing. Allele origin: germline.

Quest Diagnostics Nichols Institute San Juan Capistrano
Classification: Uncertain significance. Last evaluated: 2024-04-25. Review status: criteria provided, single submitter. Criteria: Quest Diagnostics criteria. Collection method: clinical testing. Allele origin: unknown.
Comment: The MSH3 c.1155C>G (p.Asn385Lys) variant has not been reported in individuals with MSH3-related conditions in the published literature. The frequency of this variant in the general population, 0.000008 (2/251282 chromosomes (Genome Aggregation Database)), is uninformative in the assessment of its pathogenicity. Analysis of this variant using bioinformatics tools for the prediction of the effect of amino acid changes on protein structure and function yielded predictions that this variant is benign. Based on the available information, we are unable to determine the clinical significance of this variant.

GeneDx
Classification: Uncertain significance. Last evaluated: 2023-12-20. Review status: criteria provided, single submitter. Criteria: GeneDx Variant Classification Process June 2021. Collection method: clinical testing. Allele origin: germline. Affected: yes.
Comment: Not observed at significant frequency in large population cohorts (gnomAD); In silico analysis supports that this missense variant does not alter protein structure/function; Has not been previously published as pathogenic or benign to our knowledge

NM_002439.5(MSH3):c.1155C>G (p.Asn385Lys)

Gene: MSH3 (mutS homolog 3; plus strand). Cytogenetic location: 5q14.1.
Variant type: single nucleotide variant.
Coding change: c.1155C>G on transcript NM_002439.5 (MANE Select); coding-DNA position 1155, C replaced by G.
Protein change: p.Asn385Lys; replaces asparagine 385 with lysine.
Molecular consequence: missense variant.
Genome position (GRCh38, 1-based): chr5:80,675,110, C>G. VCF-style: chr5-80675110-C-G. GRCh37 (hg19) VCF-style: chr5-79970929-C-G.
Other names: short protein forms N385K.
Identifiers: ClinVar variation 935197 (VCV000935197.13), dbSNP rs759555645, ClinGen allele CA3327807.